The following is an entry in ClinVar:

ClinVar aggregate classification (germline): Uncertain significance (1 of 4 stars; one submission).

Conditions:
Hereditary cancer-predisposing syndrome. Also called: Hereditary neoplastic syndrome; Neoplastic Syndromes, Hereditary; Tumor predisposition; Hereditary Cancer Syndrome. Identifiers: Orphanet 140162, MedGen C0027672, MeSH D009386, MONDO:0015356.

Submission:

Ambry Genetics
Classification: Uncertain significance for Hereditary cancer-predisposing syndrome. Last evaluated: 2025-07-09. Review status: criteria provided, single submitter. Criteria: Ambry Variant Classification Scheme 2023. Collection method: clinical testing. Allele origin: germline.
Comment: The p.M1188K variant (also known as c.3563T>A), located in coding exon 23 of the RAD50 gene, results from a T to A substitution at nucleotide position 3563. The methionine at codon 1188 is replaced by lysine, an amino acid with similar properties. This amino acid position is conserved. In addition, this alteration is predicted to be deleterious by in silico analysis. Based on the available evidence, the clinical significance of this variant remains unclear.

NM_005732.4(RAD50):c.3563T>A (p.Met1188Lys)

Genes: RAD50 (RAD50 double strand break repair protein; plus strand), TH2-LCR (Th2 cytokine locus control region; plus strand), TH2LCRR (T helper type 2 locus control region associated RNA; minus strand). Cytogenetic location: 5q31.1.
Variant type: single nucleotide variant.
Coding change: c.3563T>A on transcript NM_005732.4 (MANE Select); coding-DNA position 3563, T replaced by A.
Protein change: p.Met1188Lys; replaces methionine 1188 with lysine.
Molecular consequence: missense variant. On other transcripts: non-coding transcript variant (3).
Genome position (GRCh38, 1-based): chr5:132,638,168, T>A. VCF-style: chr5-132638168-T-A. GRCh37 (hg19) VCF-style: chr5-131973860-T-A.
Other names: short protein forms M1188K.
Identifiers: ClinVar variation 4149725 (VCV004149725.1).
Genomic context (GRCh38, chr5:132,638,168, plus strand): 5'-ATGCCGATGAAAATGTATCAGCTTCTGATAAAAGGCGGAATTATAACTACCGAGTGGTGA[T>A]GCTGAAGGGAGACACAGCCTTGGATATGCGAGGACGATGCAGTGCTGGACAAAAGGCAGG-3'
Protein context (NP_005723.2, residues 1178-1198): KRRNYNYRVV[Met1188Lys]LKGDTALDMR